The following is an entry in ClinVar:

NM_000059.4(BRCA2):c.4141_4142insT (p.Lys1381fs)

Gene: BRCA2 (BRCA2 DNA repair associated; plus strand). Cytogenetic location: 13q13.1.
Variant type: Insertion.
Coding change: c.4141_4142insT on transcript NM_000059.4 (MANE Select); coding-DNA positions 4141 to 4142, T inserted.
Protein change: p.Lys1381fs; shifts the reading frame from lysine 1381.
Molecular consequence: frameshift variant. On other transcripts: non-coding transcript variant (1), intron variant (2).
Genome position: GRCh38 VCF-style: chr13-32338496-A-AT. GRCh37 (hg19) VCF-style: chr13-32912633-A-AT.
Other names: c.4141_4142insT, p.Lys1381fs (NM_001406719.1, NM_001406720.1, NM_001432077.1); c.1909+5109_1909+5110insT (NM_001406721.1); c.425-6062_425-6061insT (NM_001406722.1); short protein forms K1381fs.
Identifiers: ClinVar variation 3893675 (VCV003893675.1).

ClinVar aggregate classification (germline): Pathogenic (1 of 4 stars; one submission).

Conditions:
Hereditary cancer-predisposing syndrome. Also called: Neoplastic Syndromes, Hereditary; Tumor predisposition; Hereditary Cancer Syndrome; Hereditary neoplastic syndrome. Identifiers: Orphanet 140162, MedGen C0027672, MeSH D009386, MONDO:0015356.

Submission:

Molecular Diagnostics Laboratory, Catalan Institute of Oncology
Classification: Pathogenic for Hereditary cancer-predisposing syndrome. Last evaluated: 2024-11-21. Review status: criteria provided, single submitter. Criteria: ClinGen BRCA1BRCA2 ACMG Specifications BRCA2 V1.0.0. Collection method: clinical testing. Allele origin: germline.
Comment: PVS1_PM5_PTC_Strong c.4141_4142insT, located in exon 11 of the BRCA2 gene, consists in the insertion of one nucleotide, causing a translational frameshift with a predicted alternate stop codon, p.(Lys1381Ilefs*22). This alteration is expected to result in loss of function by premature protein truncation and nonsense-mediated mRNA decay (PVS1, PM5_PTC_Strong). It is not present in the population database gnomAD v2.1.1, non cancer dataset. The SpliceAI algorithm predicts no effect on splicing. To our knowledge, neither relevant clinical data nor functional studies have been reported for this variant. Also, the variant has not been identified neither ClinVar, LOVD nor BRCA Exchange databases. Based on currently available information, the variant c.4141_4142insT is considered a pathogenic variant according to ClinGen-BRCA1 and BRCA2 Guidelines version 1.0.0.